The following is an entry in ClinVar:

NM_000455.5(STK11):c.689C>G (p.Thr230Ser)

Gene: STK11 (serine/threonine kinase 11; plus strand). Cytogenetic location: 19p13.3.
Variant type: single nucleotide variant.
Coding change: c.689C>G on transcript NM_000455.5 (MANE Select); coding-DNA position 689, C replaced by G.
Protein change: p.Thr230Ser; replaces threonine 230 with serine.
Molecular consequence: missense variant.
Genome position (GRCh38, 1-based): chr19:1,220,672, C>G. VCF-style: chr19-1220672-C-G. GRCh37 (hg19) VCF-style: chr19-1220671-C-G.
Other names: c.689C>G, p.Thr230Ser (NM_001407255.1); short protein forms T230S.
Identifiers: ClinVar variation 2124990 (VCV002124990.4), dbSNP rs1555738440, ClinGen allele CA402949806.

ClinVar aggregate classification (germline): Uncertain significance (1 of 4 stars; one submission).

Conditions:
Peutz-Jeghers syndrome (PJS). Also called: Peutz-Jeghers polyposis; Periorificial lentiginosis syndrome; POLYPOSIS, HAMARTOMATOUS INTESTINAL; POLYPS-AND-SPOTS SYNDROME. Identifiers: Orphanet 2869, MedGen C0031269, MeSH D010580, MONDO:0008280, OMIM 175200.

Submission:

Labcorp Genetics (formerly Invitae), Labcorp
Classification: Uncertain significance for Peutz-Jeghers syndrome. Last evaluated: 2022-04-11. Review status: criteria provided, single submitter. Criteria: Invitae Variant Classification Sherloc (09022015). Collection method: clinical testing. Allele origin: germline.
Comment: This sequence change replaces threonine, which is neutral and polar, with serine, which is neutral and polar, at codon 230 of the STK11 protein (p.Thr230Ser). This variant is not present in population databases (gnomAD no frequency). This variant has not been reported in the literature in individuals affected with STK11-related conditions. Advanced modeling of protein sequence and biophysical properties (such as structural, functional, and spatial information, amino acid conservation, physicochemical variation, residue mobility, and thermodynamic stability) performed at Invitae indicates that this missense variant is not expected to disrupt STK11 protein function. In summary, the available evidence is currently insufficient to determine the role of this variant in disease. Therefore, it has been classified as a Variant of Uncertain Significance.